The following is an entry in ClinVar:

NM_000843.4(GRM6):c.716_717del (p.Glu239fs)

Gene: GRM6 (glutamate metabotropic receptor 6; minus strand). Cytogenetic location: 5q35.3.
Variant type: Microsatellite.
Coding change: c.716_717del on transcript NM_000843.4 (MANE Select); coding-DNA positions 716 to 717, 2 bases deleted (AG; older notation c.716_717delAG).
Protein change: p.Glu239fs; shifts the reading frame from glutamic acid 239.
Molecular consequence: frameshift variant.
Genome position (GRCh38, 1-based): chr5:178,991,871-178,991,872, CT deleted on the plus strand (AG on the coding strand, the reverse complement: GRM6 is on the minus strand); deleting any 2 consecutive bases within chr5:178,991,871-178,991,875 gives the same sequence; the c. name uses the placement nearest the transcript's 3' end. VCF-style (leftmost placement, unchanged base first): chr5-178991870-CCT-C. GRCh37 (hg19) VCF-style: chr5-178418871-CCT-C.
Other names: short protein forms E239fs.
Identifiers: ClinVar variation 3685398 (VCV003685398.2).
Genomic context (GRCh38, chr5:178,991,870, plus strand): 5'-GAGGGCCCCGGGCCCACACTATGTAGACTCCTTGGTGCCTCGGAGCCCCCAGCTCACCAG[CCT>C]CTCGGGAGATCTGAACGAAGGCCTCAACCCCACTTTCGCCATAGTTGCCCTCGGAGGCCA-3'

ClinVar aggregate classification (germline): Pathogenic (1 of 4 stars; one submission).

Submission:

Labcorp Genetics (formerly Invitae), Labcorp
Classification: Pathogenic. Last evaluated: 2025-01-01. Review status: criteria provided, single submitter. Criteria: Invitae Variant Classification Sherloc (09022015). Collection method: clinical testing. Allele origin: germline.
Comment: This sequence change creates a premature translational stop signal (p.Glu239Glyfs*43) in the GRM6 gene. It is expected to result in an absent or disrupted protein product. Loss-of-function variants in GRM6 are known to be pathogenic (PMID: 15781871, 16622103, 22008250). This variant is present in population databases (no rsID available, gnomAD 0.0009%). This variant has not been reported in the literature in individuals affected with GRM6-related conditions. For these reasons, this variant has been classified as Pathogenic.

Literature cited by the submitters: PubMed 15781871; PubMed 16622103; PubMed 22008250.